The following is an entry in ClinVar:

NM_153813.3(ZFPM1):c.2738G>A (p.Gly913Glu)

Gene: ZFPM1 (zinc finger protein, FOG family member 1; plus strand). Cytogenetic location: 16q24.2.
Variant type: single nucleotide variant.
Coding change: c.2738G>A on transcript NM_153813.3 (MANE Select); coding-DNA position 2738, G replaced by A.
Protein change: p.Gly913Glu; replaces glycine 913 with glutamic acid.
Molecular consequence: missense variant.
Genome position (GRCh38, 1-based): chr16:88,534,696, G>A. VCF-style: chr16-88534696-G-A. GRCh37 (hg19) VCF-style: chr16-88601104-G-A.
Other names: short protein forms G913E.
Identifiers: ClinVar variation 3027287 (VCV003027287.22), dbSNP rs1913144237, ClinGen allele CA397058133.
Genomic context (GRCh38, chr16:88,534,696, plus strand): 5'-GGACGCCGGCCGACCGCGGCCCCTCGCCCGCTCCCGCCCCCGCCGCCTCCCCGCAGCCCG[G>A]GTCCCGTGGCCCCCGGGACGGCCTCGGCCCGGAGCCCCAGGAGCCGCCGCCCGGCCCGCC-3'
Protein context (NP_722520.2, residues 903-923): APAPAASPQP[Gly913Glu]SRGPRDGLGP

ClinVar aggregate classification (germline): Uncertain significance (1 of 4 stars; one submission).

Submission:

CeGaT Center for Human Genetics Tuebingen
Classification: Uncertain significance. Last evaluated: 2024-02-01. Review status: criteria provided, single submitter. Criteria: CeGaT Center For Human Genetics Tuebingen Variant Classification Criteria Version 2. Collection method: clinical testing. Allele origin: germline. Affected: yes. Observed: 1 variant allele.
Comment: ZFPM1: PM2